The following is an entry in ClinVar:

NM_001719.3(BMP7):c.573G>T (p.Arg191=)

Gene: BMP7 (bone morphogenetic protein 7; minus strand). Cytogenetic location: 20q13.31.
Variant type: single nucleotide variant.
Coding change: c.573G>T on transcript NM_001719.3 (MANE Select); coding-DNA position 573, G replaced by T.
Protein change: p.Arg191=; no amino-acid change (arginine 191 retained).
Molecular consequence: synonymous variant.
Genome position (GRCh38, 1-based): chr20:57,228,267, C>A on the plus strand (G>T on the coding strand, the complement: BMP7 is on the minus strand). VCF-style: chr20-57228267-C-A. GRCh37 (hg19) VCF-style: chr20-55803323-C-A.
Other names: c.573G>T (NM_001719.2).
Identifiers: ClinVar variation 2714163 (VCV002714163.5), dbSNP rs139592459, ClinGen allele CA9919793.

ClinVar aggregate classification (germline): Benign. Review status: criteria provided, single submitter (1 of 4 stars). 2 submissions from 2 submitters: Benign (1). 1 of the submissions does not count toward it. Last evaluated 2024-08-18.

Conditions:
BMP7-related disorder. Also called: BMP7-related condition.

Allele frequency attached by ClinVar (database versions not stated): gnomAD exomes 0.00012; ExAC 0.00054; gnomAD 0.00137; TOPMed 0.00159; ESP Exome Variant Server 0.00161; 1000 Genomes Project 30x 0.00187; 1000 Genomes Project 0.00200.
gnomAD v4.1: 402 of 1,614,038 alleles (0.025%); highest among the groups gnomAD compares: African/African-American, 0.48%; 1 homozygote.

Submissions (2):

Labcorp Genetics (formerly Invitae), Labcorp
Classification: Benign. Last evaluated: 2024-08-18. Review status: criteria provided, single submitter. Criteria: Invitae Variant Classification Sherloc (09022015). Collection method: clinical testing. Allele origin: germline.

PreventionGenetics, part of Exact Sciences
Classification: Likely benign for BMP7-related condition. Last evaluated: 2019-08-08. Review status: no assertion criteria provided. Collection method: clinical testing. Allele origin: germline. Not counted in ClinVar's aggregate classification.
Comment: This variant is classified as likely benign based on ACMG/AMP sequence variant interpretation guidelines (Richards et al. 2015 PMID: 25741868, with internal and published modifications).